The following is an entry in ClinVar:

ClinVar aggregate classification (germline): Uncertain significance (1 of 4 stars; one submission).

Submission:

Ambry Genetics
Classification: Uncertain significance. Last evaluated: 2024-09-16. Review status: criteria provided, single submitter. Criteria: Ambry Variant Classification Scheme 2023. Collection method: clinical testing. Allele origin: germline.
Comment: The p.K672T variant (also known as c.2015A>C), located in coding exon 13 of the RINT1 gene, results from an A to C substitution at nucleotide position 2015. The lysine at codon 672 is replaced by threonine, an amino acid with similar properties. This amino acid position is conserved. In addition, this alteration is predicted to be tolerated by in silico analysis. Based on the available evidence, the clinical significance of this variant remains unclear.

NM_021930.6(RINT1):c.2015A>C (p.Lys672Thr)

Genes: EFCAB10 (EF-hand calcium binding domain 10; minus strand), RINT1 (RAD50 interactor 1; plus strand). Cytogenetic location: 7q22.3.
Variant type: single nucleotide variant.
Coding change: c.2015A>C on transcript NM_021930.6 (MANE Select); coding-DNA position 2015, A replaced by C.
Protein change: p.Lys672Thr; replaces lysine 672 with threonine.
Molecular consequence: missense variant. On other transcripts: 3 prime UTR variant (2), non-coding transcript variant (1).
Genome position (GRCh38, 1-based): chr7:105,565,405, A>C. VCF-style: chr7-105565405-A-C. GRCh37 (hg19) VCF-style: chr7-105205852-A-C.
Other names: c.*42T>G (NM_001355526.2); c.*144T>G (NM_001355530.2); c.402T>G, p.Phe134Leu (NM_001355531.2); c.1781A>C, p.Lys594Thr (NM_001346599.2); c.992A>C, p.Lys331Thr (NM_001346600.2, NM_001346603.2); c.1091A>C, p.Lys364Thr (NM_001346601.2); short protein forms F134L, K364T, K594T, K672T, K331T.
Identifiers: ClinVar variation 3433623 (VCV003433623.1).
Genomic context (GRCh38, chr7:105,565,405, plus strand): 5'-TGCTGACGTTACGAGACCATTTACTTCAGTTGGAGCAGCAGCTTTGTTTCTCCTTATTTA[A>C]AATTTTCTGGCAAATGCTTGTAGAGAAGCTGGATGTATACATCTACCAAGAAGTAAGTAA-3'
Protein context (NP_068749.3, residues 662-682): LEQQLCFSLF[Lys672Thr]IFWQMLVEKL